The following is an entry in ClinVar:

NM_004006.3(DMD):c.764C>G (p.Pro255Arg)

Gene: DMD (dystrophin; minus strand). Cytogenetic location: Xp21.1.
Variant type: single nucleotide variant.
Coding change: c.764C>G on transcript NM_004006.3 (MANE Select); coding-DNA position 764, C replaced by G.
Protein change: p.Pro255Arg; replaces proline 255 with arginine.
Molecular consequence: missense variant.
Genome position (GRCh38, 1-based): chrX:32,699,179, G>C on the plus strand (C>G on the coding strand, the complement: DMD is on the minus strand). VCF-style: chrX-32699179-G-C. GRCh37 (hg19) VCF-style: chrX-32717296-G-C.
Other names: c.740C>G, p.Pro247Arg (NM_000109.4); c.752C>G, p.Pro251Arg (NM_004009.3); c.395C>G, p.Pro132Arg (NM_004010.3); short protein forms P132R, P247R, P255R, P251R.
Identifiers: ClinVar variation 1507283 (VCV001507283.5), dbSNP rs2147604642, ClinGen allele CA412668931.

ClinVar aggregate classification (germline): Uncertain significance (1 of 4 stars; one submission).

Conditions:
Duchenne muscular dystrophy (DMD). Also called: Duchenne Muscular Dystrophy (DMD); MUSCULAR DYSTROPHY, PSEUDOHYPERTROPHIC PROGRESSIVE, DUCHENNE TYPE. Identifiers: Orphanet 98896, MedGen C0013264, MONDO:0010679, OMIM 310200.

Submission:

Labcorp Genetics (formerly Invitae), Labcorp
Classification: Uncertain significance for Duchenne muscular dystrophy. Last evaluated: 2021-09-01. Review status: criteria provided, single submitter. Criteria: Invitae Variant Classification Sherloc (09022015). Collection method: clinical testing. Allele origin: germline.
Comment: This sequence change replaces proline with arginine at codon 255 of the DMD protein (p.Pro255Arg). The proline residue is highly conserved and there is a moderate physicochemical difference between proline and arginine. This variant is not present in population databases (ExAC no frequency). This variant has not been reported in the literature in individuals affected with DMD-related conditions. Algorithms developed to predict the effect of missense changes on protein structure and function are either unavailable or do not agree on the potential impact of this missense change (SIFT: "Tolerated"; PolyPhen-2: "Probably Damaging"; Align-GVGD: "Class C0"). In summary, the available evidence is currently insufficient to determine the role of this variant in disease. Therefore, it has been classified as a Variant of Uncertain Significance.